The following is an entry in ClinVar:

NM_001009944.3(PKD1):c.7566C>A (p.Cys2522Ter)

Gene: PKD1 (polycystin 1, transient receptor potential channel interacting; minus strand). Cytogenetic location: 16p13.3.
Variant type: single nucleotide variant.
Coding change: c.7566C>A on transcript NM_001009944.3 (MANE Select); coding-DNA position 7566, C replaced by A.
Protein change: p.Cys2522Ter; replaces cysteine 2522 with a stop codon.
Molecular consequence: nonsense.
Genome position (GRCh38, 1-based): chr16:2,106,228, G>T on the plus strand (C>A on the coding strand, the complement: PKD1 is on the minus strand). VCF-style: chr16-2106228-G-T. GRCh37 (hg19) VCF-style: chr16-2156229-G-T.
Other names: c.7566C>A, p.Cys2522Ter (NM_000296.4); short protein forms C2522*.
Identifiers: ClinVar variation 3774935 (VCV003774935.1).

ClinVar aggregate classification (germline): Pathogenic (1 of 4 stars; one submission).

Submission:

GeneDx
Classification: Pathogenic. Last evaluated: 2024-09-30. Review status: criteria provided, single submitter. Criteria: GeneDx Variant Classification Process June 2021. Collection method: clinical testing. Allele origin: germline. Affected: yes.
Comment: Nonsense variant predicted to result in protein truncation or nonsense mediated decay in a gene for which loss of function is a known mechanism of disease; Not observed at significant frequency in large population cohorts (gnomAD); This variant is associated with the following publications: (PMID: 26274329)